The following is an entry in ClinVar:

ClinVar aggregate classification (germline): Uncertain significance. Review status: criteria provided, multiple submitters, no conflicts (2 of 4 stars). 3 submissions from 3 submitters: Uncertain significance (3). Last evaluated 2026-08-01.

Conditions:
Episodic ataxia type 2 (EA2). Also called: ATAXIA, EPISODIC, WITH NYSTAGMUS; ATAXIA, FAMILIAL PAROXYSMAL; CEREBELLAR ATAXIA, PAROXYSMAL, ACETAZOLAMIDE-RESPONSIVE; CEREBELLOPATHY, HEREDITARY PAROXYSMAL; EPISODIC ATAXIA, NYSTAGMUS-ASSOCIATED; ACETAZOLAMIDE-RESPONSIVE HEREDITARY PAROXYSMAL CEREBELLAR ATAXIA. Identifiers: Orphanet 97, MedGen C1720416, MONDO:0007163, OMIM 108500.
Developmental and epileptic encephalopathy, 42 (DEE42A). Also called: Epileptic encephalopathy, early infantile, 42; DEVELOPMENTAL AND EPILEPTIC ENCEPHALOPATHY 42A; EPILEPTIC ENCEPHALOPATHY, EARLY INFANTILE, 42A. Identifiers: MedGen C4310716, MONDO:0014917, OMIM 617106.

Submissions (3):

CeGaT Center for Human Genetics Tuebingen
Classification: Uncertain significance. Last evaluated: 2026-08-01. Review status: criteria provided, single submitter. Criteria: CeGaT Center For Human Genetics Tuebingen Variant Classification Criteria Version 2. Collection method: clinical testing. Allele origin: germline. Affected: yes. Observed: 1 variant allele.
Comment: CACNA1A: PM2

GeneDx
Classification: Uncertain significance. Last evaluated: 2026-03-19. Review status: criteria provided, single submitter. Criteria: GeneDx Variant Classification Process June 2021. Collection method: clinical testing. Allele origin: germline.
Comment: Not observed at significant frequency in large population cohorts (gnomAD); In silico analysis suggests that this missense variant does not alter protein structure/function; Has not been previously published as pathogenic or benign to our knowledge

Labcorp Genetics (formerly Invitae), Labcorp
Classification: Uncertain significance for Developmental and epileptic encephalopathy, 42; Episodic ataxia type 2. Last evaluated: 2023-12-23. Review status: criteria provided, single submitter. Criteria: Invitae Variant Classification Sherloc (09022015). Collection method: clinical testing. Allele origin: germline.
Comment: This sequence change replaces histidine, which is basic and polar, with aspartic acid, which is acidic and polar, at codon 2213 of the CACNA1A protein (p.His2213Asp). This variant is not present in population databases (gnomAD no frequency). This variant has not been reported in the literature in individuals affected with CACNA1A-related conditions. Advanced modeling of protein sequence and biophysical properties (such as structural, functional, and spatial information, amino acid conservation, physicochemical variation, residue mobility, and thermodynamic stability) performed at Invitae indicates that this missense variant is not expected to disrupt CACNA1A protein function with a negative predictive value of 95%. In summary, the available evidence is currently insufficient to determine the role of this variant in disease. Therefore, it has been classified as a Variant of Uncertain Significance.

NM_001127222.2(CACNA1A):c.6634C>G (p.His2212Asp)

Gene: CACNA1A (calcium voltage-gated channel subunit alpha1 A; minus strand). Cytogenetic location: 19p13.13.
Variant type: single nucleotide variant.
Coding change: c.6634C>G on transcript NM_001127222.2 (MANE Select); coding-DNA position 6634, C replaced by G.
Protein change: p.His2212Asp; replaces histidine 2212 with aspartic acid.
Molecular consequence: missense variant.
Genome position (GRCh38, 1-based): chr19:13,208,902, G>C on the plus strand (C>G on the coding strand, the complement: CACNA1A is on the minus strand). VCF-style: chr19-13208902-G-C. GRCh37 (hg19) VCF-style: chr19-13319716-G-C.
Other names: c.6652C>G, p.His2218Asp (NM_000068.4, NM_023035.3); c.6637C>G, p.His2213Asp (NM_001127221.2); c.6643C>G, p.His2215Asp (NM_001174080.2); short protein forms H2213D, H2215D, H2212D, H2218D.
Identifiers: ClinVar variation 2944313 (VCV002944313.5), dbSNP rs759486509, ClinGen allele CA404330482.